The following is an entry in ClinVar:

ClinVar aggregate classification (germline): Uncertain significance (1 of 4 stars; one submission).

Conditions:
Cystic fibrosis (CF). Also called: MUCOVISCIDOSIS. Identifiers: Orphanet 586, MedGen C0010674, MONDO:0009061, OMIM 219700. Disease mechanism: loss of function.

Allele frequency attached by ClinVar (database versions not stated): gnomAD exomes below 0.00001; gnomAD 0.00001.
gnomAD v4.1: 2 of 1,613,430 alleles (0.00012%); highest among the groups gnomAD compares: South Asian, 0.0022%; no homozygotes.

Submission:

Ambry Genetics
Classification: Uncertain significance for Cystic fibrosis. Last evaluated: 2015-04-01. Review status: criteria provided, single submitter. Criteria: Ambry Variant Classification Scheme 2023. Collection method: clinical testing. Allele origin: germline.
Comment: The p.I1005T variant (also known as c.3014T>C), located in coding exon 19 of the CFTR gene, results from a T to C substitution at nucleotide position 3014. The isoleucine at codon 1005 is replaced by threonine, an amino acid with similar properties. This variant was not reported in population based cohorts in the following databases: Database of Single Nucleotide Polymorphisms (dbSNP), NHLBI Exome Sequencing Project (ESP), and 1000 Genomes Project. In the ESP, this variant was not observed in 6503 samples (13006 alleles) with coverage at this position. This variant has been detected in two individuals in conjunction with two pathogenic mutations in CFTR by our laboratory. This variant is not known to be in cis/trans with these known pathogenic mutations. This amino acid position is not well conserved in available vertebrate species. In addition, the in silico prediction for this alteration is inconclusive. Since supporting evidence is limited at this time, the clinical significance of this variant remains unclear.

NM_000492.4(CFTR):c.3014T>C (p.Ile1005Thr)

Genes: CFTR (CF transmembrane conductance regulator; plus strand), CFTR-AS2 (CFTR antisense RNA 2; minus strand), LOC111674472 (DNase I hypersensitive sites in introns 16 and 17a of CFTR; plus strand). Cytogenetic location: 7q31.2.
Variant type: single nucleotide variant.
Coding change: c.3014T>C on transcript NM_000492.4 (MANE Select); coding-DNA position 3014, T replaced by C.
Protein change: p.Ile1005Thr; replaces isoleucine 1005 with threonine.
Molecular consequence: missense variant.
Genome position (GRCh38, 1-based): chr7:117,610,544, T>C. VCF-style: chr7-117610544-T-C. GRCh37 (hg19) VCF-style: chr7-117250598-T-C.
Other names: short protein forms I1005T.
Identifiers: ClinVar variation 1798835 (VCV001798835.2), dbSNP rs397508479, ClinGen allele CA368990413.